The following is an entry in ClinVar:

ClinVar aggregate classification (germline): Uncertain significance. Review status: criteria provided, multiple submitters, no conflicts (2 of 4 stars). 4 submissions from 4 submitters: Uncertain significance (4). Last evaluated 2024-07-13.

Conditions:
Early-onset myopathy with fatal cardiomyopathy (CMYO5). Also called: Salih Myopathy; CONGENITAL MYOPATHY 5 WITH CARDIOMYOPATHY. Identifiers: Orphanet 289377, MedGen C2673677, MONDO:0012714, OMIM 611705. Disease mechanism: loss of function.
Hypertrophic cardiomyopathy 9. Also called: Familial hypertrophic cardiomyopathy 9. Identifiers: MedGen C1861065, MONDO:0013412, OMIM 613765.
Autosomal recessive limb-girdle muscular dystrophy type 2J (LGMDR10). Also called: Limb-girdle muscular dystrophy, type 2J; MUSCULAR DYSTROPHY, LIMB-GIRDLE, AUTOSOMAL RECESSIVE 10. Identifiers: Orphanet 140922, MedGen C1837342, MONDO:0012127, OMIM 608807.
Tibial muscular dystrophy (TMD). Also called: UDD MYOPATHY; Udd Distal Myopathy – Tibial Muscular Dystrophy; Tibial muscular dystrophy, tardive. Identifiers: Orphanet 609, MedGen C1838244, MONDO:0010870, OMIM 600334.
Myopathy, myofibrillar, 9, with early respiratory failure (MFM9). Also called: MYOPATHY, PROXIMAL, WITH EARLY RESPIRATORY MUSCLE INVOLVEMENT; Hereditary myopathy with early respiratory failure; EDSTROM MYOPATHY; Myopathy, distal, with early respiratory failure, autosomal dominant. Identifiers: Orphanet 178464, Orphanet 34521, MedGen C1863599, MONDO:0011362, OMIM 603689.
Dilated cardiomyopathy 1G (CMD1G). Identifiers: Orphanet 154, MedGen C1858763, MONDO:0011400, OMIM 604145.

Allele frequency attached by ClinVar (database versions not stated): gnomAD exomes below 0.00001; gnomAD 0.00001; TOPMed 0.00003.
gnomAD v4.1: 4 of 1,608,446 alleles (0.00025%); highest among the groups gnomAD compares: Admixed American, 0.0017%; no homozygotes.

Submissions (4):

Labcorp Genetics (formerly Invitae), Labcorp
Classification: Uncertain significance for Dilated cardiomyopathy 1G; Autosomal recessive limb-girdle muscular dystrophy type 2J. Last evaluated: 2024-07-13. Review status: criteria provided, single submitter. Criteria: Invitae Variant Classification Sherloc (09022015). Collection method: clinical testing. Allele origin: germline.
Comment: This sequence change replaces proline, which is neutral and non-polar, with serine, which is neutral and polar, at codon 18295 of the TTN protein (p.Pro18295Ser). This variant is present in population databases (no rsID available, gnomAD 0.007%). This missense change has been observed in individual(s) with hypertrophic cardiomyopathy (PMID: 28771489). ClinVar contains an entry for this variant (Variation ID: 848997). Experimental studies and prediction algorithms are not available or were not evaluated, and the functional significance of this variant is currently unknown. This variant is located in the A band of TTN (PMID: 25589632). Variants in this region may be relevant for cardiac or neuromuscular disorders (PMID: 25589632, 23975875). In summary, the available evidence is currently insufficient to determine the role of this variant in disease. Therefore, it has been classified as a Variant of Uncertain Significance.

Women's Health and Genetics/Laboratory Corporation of America, LabCorp
Classification: Uncertain significance. Last evaluated: 2024-02-13. Review status: criteria provided, single submitter. Criteria: LabCorp Variant Classification Summary - May 2015. Collection method: clinical testing. Allele origin: germline.
Comment: Variant summary: TTN c.47179C>T (p.Pro15727Ser) results in a non-conservative amino acid change located in the A-band region of the encoded protein sequence. Two of three in-silico tools predict a damaging effect of the variant on protein function. The variant allele was found at a frequency of 5.2e-06 in 769986 control chromosomes. The available data on variant occurrences in the general population are insufficient to allow any conclusion about variant significance. c.47179C>T has been reported in the literature in an individual affected with hypertrophic cardiomyopathy (Mademont-Soler_2017). These report(s) do not provide unequivocal conclusions about association of the variant with Limb-Girdle Muscular Dystrophy, Type 2J. To our knowledge, no experimental evidence demonstrating an impact on protein function has been reported. The following publication have been ascertained in the context of this evaluation (PMID: 28771489). ClinVar contains an entry for this variant (Variation ID: 848997). Based on the evidence outlined above, the variant was classified as uncertain significance.

Fulgent Genetics
Classification: Uncertain significance for Tibial muscular dystrophy; Myopathy, myofibrillar, 9, with early respiratory failure; Dilated cardiomyopathy 1G; Autosomal recessive limb-girdle muscular dystrophy type 2J; Early-onset myopathy with fatal cardiomyopathy; Hypertrophic cardiomyopathy 9. Last evaluated: 2021-09-01. Review status: criteria provided, single submitter. Criteria: ACMG Guidelines, 2015. Collection method: clinical testing. Allele origin: unknown.

Revvity Omics, Revvity
Classification: Uncertain significance. Last evaluated: 2020-09-21. Review status: criteria provided, single submitter. Criteria: ACMG Guidelines, 2015. Collection method: clinical testing. Allele origin: germline.

Literature cited by the submitters: PubMed 28771489 (cited by Labcorp Genetics (formerly Invitae), Labcorp and Women's Health and Genetics/Laboratory Corporation of America, LabCorp); PubMed 25589632 (cited by Labcorp Genetics (formerly Invitae), Labcorp); PubMed 23975875 (cited by Labcorp Genetics (formerly Invitae), Labcorp).

NM_001267550.2(TTN):c.54883C>T (p.Pro18295Ser)

Genes: TTN (titin; minus strand), TTN-AS1 (TTN antisense RNA 1; plus strand). Cytogenetic location: 2q31.2.
Variant type: single nucleotide variant.
Coding change: c.54883C>T on transcript NM_001267550.2 (MANE Select); coding-DNA position 54883, C replaced by T.
Protein change: p.Pro18295Ser; replaces proline 18295 with serine.
Molecular consequence: missense variant.
Genome position (GRCh38, 1-based): chr2:178,602,519, G>A on the plus strand (C>T on the coding strand, the complement: TTN is on the minus strand). VCF-style: chr2-178602519-G-A. GRCh37 (hg19) VCF-style: chr2-179467246-G-A.
Other names: c.49960C>T, p.Pro16654Ser (NM_001256850.1); c.27688C>T, p.Pro9230Ser (NM_003319.4); c.47179C>T, p.Pro15727Ser (NM_133378.4); c.28063C>T, p.Pro9355Ser (NM_133432.3); c.28264C>T, p.Pro9422Ser (NM_133437.4); short protein forms P15727S, P18295S, P9422S, P16654S, P9230S, P9355S.
Identifiers: ClinVar variation 848997 (VCV000848997.13), dbSNP rs1162176452, ClinGen allele CA349546826.